The following is an entry in ClinVar:

NM_004944.4(DNASE1L3):c.903G>C (p.Lys301Asn)

Gene: DNASE1L3 (deoxyribonuclease 1L3; minus strand). Cytogenetic location: 3p14.3.
Variant type: single nucleotide variant.
Coding change: c.903G>C on transcript NM_004944.4 (MANE Select); coding-DNA position 903, G replaced by C.
Protein change: p.Lys301Asn; replaces lysine 301 with asparagine.
Molecular consequence: missense variant.
Genome position (GRCh38, 1-based): chr3:58,192,702, C>G on the plus strand (G>C on the coding strand, the complement: DNASE1L3 is on the minus strand). VCF-style: chr3-58192702-C-G. GRCh37 (hg19) VCF-style: chr3-58178429-C-G.
Other names: c.813G>C, p.Lys271Asn (NM_001256560.2); short protein forms K301N, K271N.
Identifiers: ClinVar variation 1969371 (VCV001969371.5), dbSNP rs2471300937, ClinGen allele CA353337200.

ClinVar aggregate classification (germline): Uncertain significance (1 of 4 stars; one submission).

Submission:

Labcorp Genetics (formerly Invitae), Labcorp
Classification: Uncertain significance. Last evaluated: 2024-09-05. Review status: criteria provided, single submitter. Criteria: Invitae Variant Classification Sherloc (09022015). Collection method: clinical testing. Allele origin: germline.
Comment: This sequence change replaces lysine, which is basic and polar, with asparagine, which is neutral and polar, at codon 301 of the DNASE1L3 protein (p.Lys301Asn). This variant is not present in population databases (gnomAD no frequency). This variant has not been reported in the literature in individuals affected with DNASE1L3-related conditions. ClinVar contains an entry for this variant (Variation ID: 1969371). An algorithm developed to predict the effect of missense changes on protein structure and function (PolyPhen-2) suggests that this variant is likely to be tolerated. In summary, the available evidence is currently insufficient to determine the role of this variant in disease. Therefore, it has been classified as a Variant of Uncertain Significance.